The following is an entry in ClinVar:

NM_001492.6(GDF1):c.1048_1050del (p.Phe350del)

Genes: CERS1 (ceramide synthase 1; minus strand), GDF1 (growth differentiation factor 1; minus strand). Cytogenetic location: 19p13.11.
Variant type: Deletion.
Coding change: c.1048_1050del on transcript NM_001492.6 (MANE Select); coding-DNA positions 1048 to 1050, 3 bases deleted (TTT; older notation c.1048_1050delTTT).
Protein change: p.Phe350del; deletes phenylalanine 350.
Molecular consequence: inframe deletion. On other transcripts: 3 prime UTR variant (2).
Genome position (GRCh38, 1-based): chr19:18,868,666-18,868,668, AAA deleted on the plus strand (TTT on the coding strand, the reverse complement: GDF1 is on the minus strand). VCF-style (leftmost placement, unchanged base first): chr19-18868665-CAAA-C. GRCh37 (hg19) VCF-style: chr19-18979474-CAAA-C.
Other names: c.*1909_*1911del (NM_001387440.1); c.*1317_*1319del (NM_021267.5); c.1048_1050del, p.Phe350del (NM_001387438.1); short protein forms F350del.
Identifiers: ClinVar variation 4722887 (VCV004722887.1).
Genomic context (GRCh38, chr19:18,868,665, plus strand): 5'-AGCCGCACTCGTCCACCACCATGTCCTCATACTGCCGCAGCACCACGTTGTCGCTGTTGT[CAAA>C]GAAGAGCACGGAGATGGGCGACAGGCGCGCGGGCACGCAGCAGGGCAGGTCGGCGGCTCC-3'

ClinVar aggregate classification (germline): Uncertain significance (1 of 4 stars; one submission).

Submission:

Labcorp Genetics (formerly Invitae), Labcorp
Classification: Uncertain significance. Last evaluated: 2025-07-08. Review status: criteria provided, single submitter. Criteria: Invitae Variant Classification Sherloc (09022015). Collection method: clinical testing. Allele origin: germline.
Comment: This variant, c.1048_1050del, results in the deletion of 1 amino acid(s) of the GDF1 protein (p.Phe350del), but otherwise preserves the integrity of the reading frame. This variant is present in population databases (no rsID available, gnomAD 0.001%). This variant has been observed in individual(s) with heterotaxy (internal data). In at least one individual the data is consistent with being in trans (on the opposite chromosome) from a pathogenic variant. Experimental studies and prediction algorithms are not available or were not evaluated, and the functional significance of this variant is currently unknown. In summary, the available evidence is currently insufficient to determine the role of this variant in disease. Therefore, it has been classified as a Variant of Uncertain Significance.